The following is an entry in ClinVar:

NM_001458.5(FLNC):c.2920_2929+6delinsTCCCA

Gene: FLNC (filamin C; plus strand). Cytogenetic location: 7q32.1.
Variant type: Indel.
Coding change: c.2920_2929+6delinsTCCCA on transcript NM_001458.5 (MANE Select); coding-DNA position 2920 through 6 bases into the intron after coding-DNA position 2929, CTTAATAGCAGTAAGT replaced by TCCCA.
Molecular consequence: splice donor variant.
Genome position (GRCh38, 1-based): chr7:128,843,904-128,843,919, CTTAATAGCAGTAAGT replaced by TCCCA. VCF-style: chr7-128843904-CTTAATAGCAGTAAGT-TCCCA. GRCh37 (hg19) VCF-style: chr7-128483958-CTTAATAGCAGTAAGT-TCCCA.
Other names: c.2920_2929+6delinsTCCCA (NM_001127487.2).
Identifiers: ClinVar variation 4812723 (VCV004812723.1).

ClinVar aggregate classification (germline): Likely pathogenic (1 of 4 stars; one submission).

Conditions:
Hypertrophic cardiomyopathy 26. Also called: Cardiomyopathy, familial hypertrophic, 26. Identifiers: Orphanet 75249, MedGen C4310749, MONDO:0014883, OMIM 617047.
Myofibrillar myopathy 5. Also called: Filaminopathy (type); FILAMINOPATHY, AUTOSOMAL DOMINANT. Identifiers: Orphanet 171445, MedGen C1836050, MONDO:0012289, OMIM 609524.
Distal myopathy with posterior leg and anterior hand involvement. Also called: WILLIAMS DISTAL MYOPATHY. Identifiers: Orphanet 63273, MedGen C3279722, MONDO:0013550, OMIM 614065.

Submission:

Labcorp Genetics (formerly Invitae), Labcorp
Classification: Likely pathogenic for Distal myopathy with posterior leg and anterior hand involvement; Myofibrillar myopathy 5; Hypertrophic cardiomyopathy 26. Last evaluated: 2024-10-28. Review status: criteria provided, single submitter. Criteria: Invitae Variant Classification Sherloc (09022015). Collection method: clinical testing. Allele origin: germline.
Comment: This variant results in the deletion of part of exon 19 (c.2920_2929+6delinsTCCCA) of the FLNC gene. It is expected to disrupt RNA splicing. Variants that disrupt the donor or acceptor splice site typically lead to a loss of protein function (PMID: 16199547), and loss-of-function variants in FLNC are known to be pathogenic (PMID: 27908349). This variant is not present in population databases (gnomAD no frequency). This variant has been observed in individual(s) with arrhythmogenic cardiomyopathy (internal data). ClinVar contains an entry for this variant (Variation ID: 1346730). Algorithms developed to predict the effect of sequence changes on RNA splicing suggest that this variant may disrupt the consensus splice site. In summary, the currently available evidence indicates that the variant is pathogenic, but additional data are needed to prove that conclusively. Therefore, this variant has been classified as Likely Pathogenic.

Literature cited by the submitters: PubMed 16199547; PubMed 27908349.